The following is an entry in ClinVar:

NM_000051.4(ATM):c.1821A>C (p.Val607=)

Gene: ATM (ATM serine/threonine kinase; plus strand). Cytogenetic location: 11q22.3.
Variant type: single nucleotide variant.
Coding change: c.1821A>C on transcript NM_000051.4 (MANE Select); coding-DNA position 1821, A replaced by C.
Protein change: p.Val607=; no amino-acid change (valine 607 retained).
Molecular consequence: synonymous variant.
Genome position (GRCh38, 1-based): chr11:108,252,835, A>C. VCF-style: chr11-108252835-A-C. GRCh37 (hg19) VCF-style: chr11-108123562-A-C.
Other names: c.1821A>C, p.Val607= (NM_001351834.2).
Identifiers: ClinVar variation 1097848 (VCV001097848.10), dbSNP rs876660362, ClinGen allele CA476672218.
Genomic context (GRCh38, chr11:108,252,835, plus strand): 5'-GCTTTTGGTCTTCTAAGTGAAGCTTTTTGTTTTTCTTTGTAGTAATTTTCCTCATCTTGT[A>C]CTGGAGAAAATTCTTGTGAGTCTCACTATGAAAAACTGTAAAGCTGCAATGAATTTTTTC-3'
Protein context (NP_000042.3, residues 597-617): PILHSNFPHL[Val607=]LEKILVSLTM

ClinVar aggregate classification (germline): Benign/Likely benign. Review status: criteria provided, multiple submitters, no conflicts (2 of 4 stars). 2 submissions from 2 submitters: Benign (1); Likely benign (1). Last evaluated 2024-05-01.

Conditions:
Ataxia-telangiectasia syndrome (AT). Also called: Cerebello-oculocutaneous telangiectasia; Immunodeficiency with ataxia telangiectasia; Ataxia-telangiectasia, complementation group D; AT, COMPLEMENTATION GROUP C; ATAXIA-TELANGIECTASIA, COMPLEMENTATION GROUP A; ATAXIA-TELANGIECTASIA, FRESNO VARIANT. Identifiers: Orphanet 100, MedGen C0004135, MONDO:0008840, OMIM 208900.
Familial cancer of breast. Also called: hereditary breast carcinoma; Hereditary breast cancer; BREAST CANCER, FAMILIAL. Identifiers: Orphanet 227535, MedGen C0346153, MONDO:0016419, OMIM 114480. Disease mechanism: loss of function.

Submissions (2):

Myriad Genetics, Inc.
Classification: Benign for Familial cancer of breast. Last evaluated: 2024-05-01. Review status: criteria provided, single submitter. Criteria: Myriad Autosomal Dominant, Autosomal Recessive and X-Linked Classification Criteria (2023). Collection method: clinical testing. Allele origin: unknown.
Comment: This variant is considered benign. This variant is a silent/synonymous amino acid change and it is not expected to impact splicing.

Labcorp Genetics (formerly Invitae), Labcorp
Classification: Likely benign for Ataxia-telangiectasia syndrome. Last evaluated: 2019-12-18. Review status: criteria provided, single submitter. Criteria: Invitae Variant Classification Sherloc (09022015). Collection method: clinical testing. Allele origin: germline.